The following is an entry in ClinVar:

NM_006030.4(CACNA2D2):c.1683C>T (p.His561=)

Gene: CACNA2D2 (calcium voltage-gated channel auxiliary subunit alpha2delta 2; minus strand). Cytogenetic location: 3p21.31.
Variant type: single nucleotide variant.
Coding change: c.1683C>T on transcript NM_006030.4 (MANE Select); coding-DNA position 1683, C replaced by T.
Protein change: p.His561=; no amino-acid change (histidine 561 retained).
Molecular consequence: synonymous variant.
Genome position (GRCh38, 1-based): chr3:50,376,132, G>A on the plus strand (C>T on the coding strand, the complement: CACNA2D2 is on the minus strand). VCF-style: chr3-50376132-G-A. GRCh37 (hg19) VCF-style: chr3-50413563-G-A.
Other names: c.1683C>T, p.His561= (NM_001005505.3, NM_001174051.3); c.1476C>T, p.His492= (NM_001291101.1).
Identifiers: ClinVar variation 461302 (VCV000461302.33), dbSNP rs141525581, ClinGen allele CA2418773.

ClinVar aggregate classification (germline): Likely benign. Review status: criteria provided, multiple submitters, no conflicts (2 of 4 stars). 2 submissions from 2 submitters: Likely benign (2). Last evaluated 2026-01-28.

Conditions:
Early-infantile DEE. Also called: Early infantile epileptic encephalopathy; Ohtahara syndrome; Early infantile epileptic encephalopathy with suppression bursts. Identifiers: Orphanet 1934, MedGen C0393706, MONDO:0800491.

Allele frequency attached by ClinVar (database versions not stated): gnomAD exomes 0.00014 and 0.00029; ExAC 0.00020; gnomAD 0.00025 and 0.00026; TOPMed 0.00027; ESP Exome Variant Server 0.00069.
gnomAD v4.1: 452 of 1,613,416 alleles (0.028%); highest among the groups gnomAD compares: Non-Finnish European, 0.036%; no homozygotes.

Submissions (2):

Labcorp Genetics (formerly Invitae), Labcorp
Classification: Likely benign for Early-infantile DEE. Last evaluated: 2026-01-28. Review status: criteria provided, single submitter. Criteria: Invitae Variant Classification Sherloc (09022015). Collection method: clinical testing. Allele origin: germline.

CeGaT Center for Human Genetics Tuebingen
Classification: Likely benign. Last evaluated: 2023-12-01. Review status: criteria provided, single submitter. Criteria: CeGaT Center For Human Genetics Tuebingen Variant Classification Criteria Version 2. Collection method: clinical testing. Allele origin: germline. Affected: yes. Observed: 1 variant allele.
Comment: CACNA2D2: BP4, BP7